The following is an entry in ClinVar:

ClinVar aggregate classification (germline): Uncertain significance (1 of 4 stars; one submission).

Allele frequency attached by ClinVar (database versions not stated): TOPMed below 0.00001; gnomAD 0.00001.

Submission:

Labcorp Genetics (formerly Invitae), Labcorp
Classification: Uncertain significance. Last evaluated: 2022-05-19. Review status: criteria provided, single submitter. Criteria: Invitae Variant Classification Sherloc (09022015). Collection method: clinical testing. Allele origin: germline.
Comment: This sequence change replaces valine, which is neutral and non-polar, with isoleucine, which is neutral and non-polar, at codon 34 of the ITM2B protein (p.Val34Ile). This variant is not present in population databases (gnomAD no frequency). This variant has not been reported in the literature in individuals affected with ITM2B-related conditions. Algorithms developed to predict the effect of missense changes on protein structure and function (SIFT, PolyPhen-2, Align-GVGD) all suggest that this variant is likely to be tolerated. In summary, the available evidence is currently insufficient to determine the role of this variant in disease. Therefore, it has been classified as a Variant of Uncertain Significance.

NM_021999.5(ITM2B):c.100G>A (p.Val34Ile)

Genes: ITM2B (integral membrane protein 2B; plus strand), LOC130009752 (ATAC-STARR-seq lymphoblastoid silent region 5332; plus strand). Cytogenetic location: 13q14.2.
Variant type: single nucleotide variant.
Coding change: c.100G>A on transcript NM_021999.5 (MANE Select); coding-DNA position 100, G replaced by A.
Protein change: p.Val34Ile; replaces valine 34 with isoleucine.
Molecular consequence: missense variant.
Genome position (GRCh38, 1-based): chr13:48,233,460, G>A. VCF-style: chr13-48233460-G-A. GRCh37 (hg19) VCF-style: chr13-48807596-G-A.
Other names: short protein forms V34I.
Identifiers: ClinVar variation 1996347 (VCV001996347.4), dbSNP rs1951648456, ClinGen allele CA388250080.